The following is an entry in ClinVar:

NM_152269.5(MTRFR):c.243C>T (p.Cys81=)

Gene: MTRFR (mitochondrial translation release factor in rescue; plus strand). Cytogenetic location: 12q24.31.
Variant type: single nucleotide variant.
Coding change: c.243C>T on transcript NM_152269.5 (MANE Select); coding-DNA position 243, C replaced by T.
Protein change: p.Cys81=; no amino-acid change (cysteine 81 retained).
Molecular consequence: synonymous variant.
Genome position (GRCh38, 1-based): chr12:123,253,917, C>T. VCF-style: chr12-123253917-C-T. GRCh37 (hg19) VCF-style: chr12-123738464-C-T.
Other names: p.C81C:TGC>TGT; c.243C>T, p.Cys81= (NM_001143905.2, NM_001194995.1).
Identifiers: ClinVar variation 136595 (VCV000136595.59), dbSNP rs140411575, ClinGen allele CA289763.

ClinVar aggregate classification (germline): Conflicting classifications of pathogenicity. Review status: criteria provided, conflicting classifications (1 of 4 stars). 6 submissions from 6 submitters: Uncertain significance (1); Benign (2); Likely benign (3). Last evaluated 2026-01-26.

Conditions:
Combined oxidative phosphorylation defect type 7. Identifiers: Orphanet 254930, MedGen C3150801, MONDO:0013306, OMIM 613559.
Spastic paraplegia. Identifiers: MedGen C0037772, HP:0001258.
Hereditary spastic paraplegia. Also called: Familial spastic paraparesis. Identifiers: Orphanet 685, MedGen C0037773, MONDO:0019064. Disease mechanism: loss of function.

Allele frequency attached by ClinVar (database versions not stated): gnomAD exomes 0.00046; ExAC 0.00049; gnomAD 0.00081 and 0.00084; TOPMed 0.00085; ESP Exome Variant Server 0.00108; 1000 Genomes Project 0.00140; 1000 Genomes Project 30x 0.00141.
gnomAD v4.1: 488 of 1,614,210 alleles (0.03%); highest among the groups gnomAD compares: Middle Eastern, 0.4%; 2 homozygotes.

Submissions (6):

Labcorp Genetics (formerly Invitae), Labcorp
Classification: Benign for Combined oxidative phosphorylation defect type 7; Spastic paraplegia. Last evaluated: 2026-01-26. Review status: criteria provided, single submitter. Criteria: Invitae Variant Classification Sherloc (09022015). Collection method: clinical testing. Allele origin: germline.

Blueprint Genetics
Classification: Likely benign. Last evaluated: 2024-09-23. Review status: criteria provided, single submitter. Criteria: ACMG Guidelines, 2015. Collection method: clinical testing. Allele origin: germline.

CeGaT Center for Human Genetics Tuebingen
Classification: Likely benign. Last evaluated: 2023-01-01. Review status: criteria provided, single submitter. Criteria: CeGaT Center For Human Genetics Tuebingen Variant Classification Criteria Version 2. Collection method: clinical testing. Allele origin: germline. Affected: yes. Observed: 5 variant alleles.
Comment: MTRFR: BP4, BP7

Genome Diagnostics Laboratory, The Hospital for Sick Children
Classification: Likely benign for Hereditary spastic paraplegia. Last evaluated: 2019-12-01. Review status: criteria provided, single submitter. Criteria: ACMG Guidelines, 2015. Collection method: clinical testing. Allele origin: germline. Affected: yes.

Illumina Laboratory Services, Illumina
Classification: Uncertain significance for Combined oxidative phosphorylation defect type 7. Last evaluated: 2018-01-13. Review status: criteria provided, single submitter. Criteria: ICSL Variant Classification Criteria 13 December 2019. Collection method: clinical testing. Allele origin: germline.

GeneDx
Classification: Benign. Last evaluated: 2014-04-09. Review status: criteria provided, single submitter. Criteria: GeneDx Variant Classification (06012015). Collection method: clinical testing. Allele origin: germline. Affected: yes.
Comment: This variant is considered likely benign or benign based on one or more of the following criteria: it is a conservative change, it occurs at a poorly conserved position in the protein, it is predicted to be benign by multiple in silico algorithms, and/or has population frequency not consistent with disease.